The following is an entry in ClinVar:

NM_001083962.2(TCF4):c.*1799G>C

Gene: TCF4 (transcription factor 4; minus strand). Cytogenetic location: 18q21.2.
Variant type: single nucleotide variant.
Coding change: c.*1799G>C on transcript NM_001083962.2 (MANE Select); 1799 bases downstream of the stop codon, G replaced by C.
Molecular consequence: 3 prime UTR variant.
Genome position (GRCh38, 1-based): chr18:55,226,236, C>G on the plus strand (G>C on the coding strand, the complement: TCF4 is on the minus strand). VCF-style: chr18-55226236-C-G. GRCh37 (hg19) VCF-style: chr18-52893467-C-G.
Other names: c.*1799G>C (NM_001243226.3, NM_001243227.2, NM_001243228.2 and 42 more transcripts).
Identifiers: ClinVar variation 327283 (VCV000327283.5), dbSNP rs187063308, ClinGen allele CA10651075.

ClinVar aggregate classification (germline): Benign (1 of 4 stars; one submission).

Conditions:
Pitt-Hopkins syndrome (PTHS). Also called: ENCEPHALOPATHY, SEVERE EPILEPTIC, WITH AUTONOMIC DYSFUNCTION; MENTAL RETARDATION, SYNDROMAL, WITH INTERMITTENT HYPERVENTILATION. Identifiers: Orphanet 2896, MedGen C1970431, MONDO:0012589, OMIM 610954.

Allele frequency attached by ClinVar (database versions not stated): 1000 Genomes Project 30x 0.00265; 1000 Genomes Project 0.00280; TOPMed 0.00302.
gnomAD v4.1: 402 of 152,450 alleles (0.26%); highest among the groups gnomAD compares: African/African-American, 0.94%; 7 homozygotes.

Submission:

Illumina Laboratory Services, Illumina
Classification: Benign for Pitt-Hopkins syndrome. Last evaluated: 2018-01-13. Review status: criteria provided, single submitter. Criteria: ICSL Variant Classification Criteria 13 December 2019. Collection method: clinical testing. Allele origin: germline.
Comment: This variant was observed in the ICSL laboratory as part of a predisposition screen in an ostensibly healthy population. It had not been previously curated by ICSL or reported in the Human Gene Mutation Database (HGMD: prior to June 1st, 2018), and was therefore a candidate for classification through an automated scoring system. Utilizing variant allele frequency, disease prevalence and penetrance estimates, and inheritance mode, an automated score was calculated to assess if this variant is too frequent to cause the disease. Based on the score and internal cut-off values, a variant classified as benign is not then subjected to further curation. The score for this variant resulted in a classification of benign for this disease.